The following is an entry in ClinVar:

NM_016284.5(CNOT1):c.3122C>A (p.Thr1041Asn)

Gene: CNOT1 (CCR4-NOT transcription complex subunit 1; minus strand). Cytogenetic location: 16q21.
Variant type: single nucleotide variant.
Coding change: c.3122C>A on transcript NM_016284.5 (MANE Select); coding-DNA position 3122, C replaced by A.
Protein change: p.Thr1041Asn; replaces threonine 1041 with asparagine.
Molecular consequence: missense variant. On other transcripts: non-coding transcript variant (1).
Genome position (GRCh38, 1-based): chr16:58,551,668, G>T on the plus strand (C>A on the coding strand, the complement: CNOT1 is on the minus strand). VCF-style: chr16-58551668-G-T. GRCh37 (hg19) VCF-style: chr16-58585572-G-T.
Other names: c.3107C>A, p.Thr1036Asn (NM_001265612.2); c.3122C>A, p.Thr1041Asn (NM_206999.3); short protein forms T1041N, T1036N.
Identifiers: ClinVar variation 4996725 (VCV004996725.1).

ClinVar aggregate classification (germline): Uncertain significance (1 of 4 stars; one submission).

Conditions:
CNOT1-related disorder. Also called: CNOT1-related condition.

Submission:

PreventionGenetics, part of Exact Sciences
Classification: Uncertain significance for CNOT1-related condition. Last evaluated: 2025-03-12. Review status: criteria provided, single submitter. Criteria: ACMG Guidelines, 2015. Collection method: clinical testing. Allele origin: germline.
Comment: The CNOT1 c.3122C>A variant is predicted to result in the amino acid substitution p.Thr1041Asn. To our knowledge, this variant has not been reported in the literature or in a large population database (gnomAD), indicating this variant is rare. Although we suspect this variant is benign, at this time, the clinical significance of this variant is uncertain due to the absence of conclusive functional and genetic evidence.